The following is an entry in ClinVar:

ClinVar aggregate classification (germline): Uncertain significance (1 of 4 stars; one submission).

Conditions:
Kabuki syndrome 2 (KABUK2). Also called: KDM6A-Related Kabuki Syndrome. Identifiers: Orphanet 2322, MedGen C3275495, MONDO:0010465, OMIM 300867.

Allele frequency attached by ClinVar (database versions not stated): ExAC 0.00001; gnomAD exomes 0.00001 and 0.00002.
gnomAD v4.1: 22 of 1,090,190 alleles (0.002%); highest among the groups gnomAD compares: Non-Finnish European, 0.0028%; no homozygotes.

Submission:

Labcorp Genetics (formerly Invitae), Labcorp
Classification: Uncertain significance for Kabuki syndrome 2. Last evaluated: 2023-06-12. Review status: criteria provided, single submitter. Criteria: Invitae Variant Classification Sherloc (09022015). Collection method: clinical testing. Allele origin: germline.
Comment: ClinVar contains an entry for this variant (Variation ID: 1362747). In summary, the available evidence is currently insufficient to determine the role of this variant in disease. Therefore, it has been classified as a Variant of Uncertain Significance. Advanced modeling of protein sequence and biophysical properties (such as structural, functional, and spatial information, amino acid conservation, physicochemical variation, residue mobility, and thermodynamic stability) performed at Invitae indicates that this missense variant is not expected to disrupt KDM6A protein function. This variant has not been reported in the literature in individuals affected with KDM6A-related conditions. This variant is present in population databases (rs749218008, gnomAD 0.001%), including at least one homozygous and/or hemizygous individual. This sequence change replaces leucine, which is neutral and non-polar, with valine, which is neutral and non-polar, at codon 474 of the KDM6A protein (p.Leu474Val).

NM_001291415.2(KDM6A):c.1576T>G (p.Leu526Val)

Gene: KDM6A (lysine demethylase 6A; plus strand). Cytogenetic location: Xp11.3.
Variant type: single nucleotide variant.
Coding change: c.1576T>G on transcript NM_001291415.2 (MANE Select); coding-DNA position 1576, T replaced by G.
Protein change: p.Leu526Val; replaces leucine 526 with valine.
Molecular consequence: missense variant. On other transcripts: non-coding transcript variant (1).
Genome position (GRCh38, 1-based): chrX:45,061,414, T>G. VCF-style: chrX-45061414-T-G. GRCh37 (hg19) VCF-style: chrX-44920659-T-G.
Other names: c.1441T>G, p.Leu481Val (NM_001291416.2); c.1285T>G, p.Leu429Val (NM_001291417.2, NM_001291418.2); c.532T>G, p.Leu178Val (NM_001291421.2); c.1420T>G, p.Leu474Val (NM_021140.4); short protein forms L178V, L481V, L526V, L429V, L474V.
Identifiers: ClinVar variation 1362747 (VCV001362747.6), dbSNP rs749218008, ClinGen allele CA10392365.
Genomic context (GRCh38, chrX:45,061,414, plus strand): 5'-GCTGTGTCACATCCTCCAGTACAGCAACAAGCTCATTCATGGTGTTTGACACCACAGAAA[T>G]TACAGGTATGTAAGATGTTTTTGACAAATTGTTTATTAAAAAGGAGTAGAGGTAGCAAAC-3'
Protein context (NP_001278344.1, residues 516-536): AHSWCLTPQK[Leu526Val]QHLEQLRANR